The following is an entry in ClinVar:

ClinVar aggregate classification (germline): Pathogenic (1 of 4 stars; one submission).

Submission:

Labcorp Genetics (formerly Invitae), Labcorp
Classification: Pathogenic. Last evaluated: 2022-10-13. Review status: criteria provided, single submitter. Criteria: Invitae Variant Classification Sherloc (09022015). Collection method: clinical testing. Allele origin: germline.
Comment: Algorithms developed to predict the effect of sequence changes on RNA splicing suggest that this variant may disrupt the consensus splice site. For these reasons, this variant has been classified as Pathogenic. This variant has not been reported in the literature in individuals affected with LAMB3-related conditions. This variant is not present in population databases (gnomAD no frequency). This sequence change creates a premature translational stop signal (p.Arg430Profs*76) in the LAMB3 gene. It is expected to result in an absent or disrupted protein product. Loss-of-function variants in LAMB3 are known to be pathogenic (PMID: 11023379, 16473856).

Literature cited by the submitters: PubMed 11023379; PubMed 16473856.

NM_000228.3(LAMB3):c.1289_1301del (p.Arg430fs)

Gene: LAMB3 (laminin subunit beta 3; minus strand). Cytogenetic location: 1q32.2.
Variant type: Deletion.
Coding change: c.1289_1301del on transcript NM_000228.3 (MANE Select); coding-DNA positions 1289 to 1301, 13 bases deleted (GCTGTGACTGCAA).
Protein change: p.Arg430fs; shifts the reading frame from arginine 430.
Molecular consequence: frameshift variant.
Genome position (GRCh38, 1-based): chr1:209,627,567-209,627,579, TTGCAGTCACAGC deleted on the plus strand (GCTGTGACTGCAA on the coding strand, the reverse complement: LAMB3 is on the minus strand). VCF-style (leftmost placement, unchanged base first): chr1-209627566-GTTGCAGTCACAGC-G. GRCh37 (hg19) VCF-style: chr1-209800911-GTTGCAGTCACAGC-G.
Other names: c.1289_1301del, p.Arg430fs (NM_001017402.2, NM_001127641.1); short protein forms R430fs.
Identifiers: ClinVar variation 2087535 (VCV002087535.4), dbSNP rs2464832936, ClinGen allele CA2580062006.
Genomic context (GRCh38, chr1:209,627,566, plus strand): 5'-CAGACAAAGGCAGCGCCCACTCTCCTCGTCACACGGCATGTCCCTCCGGGACCCCAGGAT[GTTGCAGTCACAGC>G]CTGCAGGAGGAGAGCTGCTGAGCTCAGGCAGACGCTCCATGAAAAACTCACCCCCAGAGG-3'